The following is an entry in ClinVar:

NM_000018.4(ACADVL):c.218T>C (p.Phe73Ser)

Gene: ACADVL (acyl-CoA dehydrogenase very long chain; plus strand). Cytogenetic location: 17p13.1.
Variant type: single nucleotide variant.
Coding change: c.218T>C on transcript NM_000018.4 (MANE Select); coding-DNA position 218, T replaced by C.
Protein change: p.Phe73Ser; replaces phenylalanine 73 with serine.
Molecular consequence: missense variant. On other transcripts: 5 prime UTR variant (1).
Genome position (GRCh38, 1-based): chr17:7,220,617, T>C. VCF-style: chr17-7220617-T-C. GRCh37 (hg19) VCF-style: chr17-7123936-T-C.
Other names: c.152T>C, p.Phe51Ser (NM_001033859.3); c.287T>C, p.Phe96Ser (NM_001270447.2); c.-11T>C (NM_001270448.2); short protein forms F96S, F51S, F73S.
Identifiers: ClinVar variation 932743 (VCV000932743.2), dbSNP rs2071156261, ClinGen allele CA397722353.

ClinVar aggregate classification (germline): Uncertain significance (1 of 4 stars; one submission).

Conditions:
Very long chain acyl-CoA dehydrogenase deficiency (ACADVLD). Also called: Very Long-Chain Acyl-Coenzyme A Dehydrogenase Deficiency; VLCAD Deficiency. Identifiers: Orphanet 26793, MedGen C3887523, MONDO:0008723, OMIM 201475.

Submission:

Wong Mito Lab, Molecular and Human Genetics, Baylor College of Medicine
Classification: Uncertain significance for Very long chain acyl-CoA dehydrogenase deficiency. Last evaluated: 2019-11-01. Review status: criteria provided, single submitter. Criteria: ACMG Guidelines, 2015. Collection method: clinical testing. Allele origin: germline.
Comment: The NM_000018.3:c.218T>C (NP_000009.1:p.Phe73Ser) [GRCH38: NC_000017.11:g.7220617T>C] variant in ACADVL gene is interpretated to be Uncertain Significance based on ACMG guidelines (PMID: 25741868). This variant has been reported. This variant meets the following evidence codes reported in the ACMG guidelines: BP6, PP3

Literature cited by the submitters: PubMed 609575.